The following is an entry in ClinVar:

NM_000521.4(HEXB):c.59C>A (p.Ala20Glu)

Gene: HEXB (hexosaminidase subunit beta; plus strand). Cytogenetic location: 5q13.3.
Variant type: single nucleotide variant.
Coding change: c.59C>A on transcript NM_000521.4 (MANE Select); coding-DNA position 59, C replaced by A.
Protein change: p.Ala20Glu; replaces alanine 20 with glutamic acid.
Molecular consequence: missense variant. On other transcripts: intron variant (1).
Genome position (GRCh38, 1-based): chr5:74,685,319, C>A. VCF-style: chr5-74685319-C-A. GRCh37 (hg19) VCF-style: chr5-73981144-C-A.
Other names: c.-376-4009C>A (NM_001292004.2); short protein forms A20E.
Identifiers: ClinVar variation 967177 (VCV000967177.6), dbSNP rs865822685, ClinGen allele CA360062059.
Genomic context (GRCh38, chr5:74,685,319, plus strand): 5'-CCATGGAGCTGTGCGGGCTGGGGCTGCCCCGGCCGCCCATGCTGCTGGCGCTGCTGTTGG[C>A]GACACTGCTGGCGGCGATGTTGGCGCTGCTGACTCAGGTGGCGCTGGTGGTGCAGGTGGC-3'
Protein context (NP_000512.2, residues 10-30): RPPMLLALLL[Ala20Glu]TLLAAMLALL

ClinVar aggregate classification (germline): Uncertain significance. Review status: criteria provided, single submitter (1 of 4 stars). 2 submissions from 2 submitters: Uncertain significance (1). 1 of the submissions does not count toward it. Last evaluated 2021-08-31.

Conditions:
Sandhoff disease. Also called: GM2-GANGLIOSIDOSIS, TYPE II; HEXOSAMINIDASES A AND B DEFICIENCY; Beta-hexosaminidase-beta-subunit deficiency; GM2 gangliosidosis, type 2; Total hexosaminidase deficiency; Sandhoff-Jatzkewitz-Pilz disease. Identifiers: Orphanet 796, MedGen C0036161, MONDO:0010006, OMIM 268800.

Allele frequency attached by ClinVar (database versions not stated): gnomAD 0.00001; gnomAD exomes 0.00002.
gnomAD v4.1: 10 of 1,571,326 alleles (0.00064%); highest among the groups gnomAD compares: South Asian, 0.0069%; no homozygotes.

Submissions (2):

Labcorp Genetics (formerly Invitae), Labcorp
Classification: Uncertain significance for Sandhoff disease. Last evaluated: 2021-08-31. Review status: criteria provided, single submitter. Criteria: Invitae Variant Classification Sherloc (09022015). Collection method: clinical testing. Allele origin: germline.
Comment: This sequence change replaces alanine with glutamic acid at codon 20 of the HEXB protein (p.Ala20Glu). The alanine residue is weakly conserved and there is a moderate physicochemical difference between alanine and glutamic acid. The frequency data for this variant in the population databases is considered unreliable, as metrics indicate insufficient coverage at this position in the ExAC database. This variant has not been reported in the literature in individuals affected with HEXB-related conditions. Algorithms developed to predict the effect of missense changes on protein structure and function are either unavailable or do not agree on the potential impact of this missense change (SIFT: "Tolerated"; PolyPhen-2: "Not Available"; Align-GVGD: "Class C0"). In summary, the available evidence is currently insufficient to determine the role of this variant in disease. Therefore, it has been classified as a Variant of Uncertain Significance.

Natera, Inc.
Classification: Uncertain significance for Sandhoff disease. Last evaluated: 2020-09-11. Review status: no assertion criteria provided. Collection method: clinical testing. Allele origin: germline. Not counted in ClinVar's aggregate classification.